The following continues an entry in ClinVar:

NM_000051.4(ATM):c.2251-4A>G

Gene: ATM. ClinVar aggregate classification (germline): Likely pathogenic. Likely pathogenic (1).

Submissions 8 to 15 of 15:

Natera, Inc.
Classification: Pathogenic for Ataxia-telangiectasia. Last evaluated: 2024-11-18. Review status: criteria provided, single submitter. Criteria: Natera Variant Classification Schema (03/2026). Collection method: clinical testing. Allele origin: germline. Not counted in ClinVar's aggregate classification.
Comment: The c.2251-4A>G variant in ATM is an intronic variant located outside the canonical splice sites. This variant is rare in the general population with a frequency below the threshold expected for the associated phenotype(s). This variant has been observed in one or more individuals affected with the associated recessive disease, as either homozygous or compound heterozygous with a second variant (PMID: 31741144, 32748564). Additionally, this variant has been observed to segregate in affected family members (PMID: 32748564). Functional studies show that this variant may disrupt protein function (PMID: 32748564). Computational prediction algorithms indicate this variant is likely to affect gene or protein function. Given the available evidence, this variant is classified as Pathogenic.

GeneDx
Classification: Likely pathogenic. Last evaluated: 2024-11-05. Review status: criteria provided, single submitter. Criteria: GeneDx Variant Classification Process June 2021. Collection method: clinical testing. Allele origin: germline. Affected: yes. Not counted in ClinVar's aggregate classification.
Comment: RNA studies demonstrate a damaging effect: aberrant splicing resulting in protein truncation or nonsense mediated decay in a gene for which loss-of-function is a known mechanism of disease (PMID: 32748564); In silico analysis supports a deleterious effect on splicing; Not observed at significant frequency in large population cohorts (gnomAD); This variant is associated with the following publications: (PMID: Kilic2022[CaseReport], 37453313, Erdem2019[article], 31159747, 32748564, 31741144, 32658311)

Baylor Genetics
Classification: Likely pathogenic for Familial cancer of breast. Last evaluated: 2024-02-22. Review status: criteria provided, single submitter. Criteria: ACMG Guidelines, 2015. Collection method: clinical testing. Allele origin: unknown. Not counted in ClinVar's aggregate classification.

Myriad Genetics, Inc.
Classification: Likely pathogenic for Familial cancer of breast. Last evaluated: 2024-01-17. Review status: criteria provided, single submitter. Criteria: Myriad Autosomal Dominant, Autosomal Recessive and X-Linked Classification Criteria (2023). Collection method: clinical testing. Allele origin: unknown. Not counted in ClinVar's aggregate classification.
Comment: This variant is considered likely pathogenic. This variant has been reported in multiple individuals with clinical features of gene-specific disease [PMID: 31741144, 32748564]. Functional studies indicate this variant impacts protein function [PMID: 32748564].

Women's Health and Genetics/Laboratory Corporation of America, LabCorp
Classification: Pathogenic for Ataxia-telangiectasia syndrome. Last evaluated: 2023-12-06. Review status: criteria provided, single submitter. Criteria: LabCorp Variant Classification Summary - May 2015. Collection method: clinical testing. Allele origin: germline. Not counted in ClinVar's aggregate classification.
Comment: Variant summary: ATM c.2251-4A>G alters a conserved nucleotide located close to a canonical splice site and therefore could affect mRNA splicing, leading to a significantly altered protein sequence. Several computational tools predict a significant impact on normal splicing: one predicts the variant abolishes a 3' acceptor site, and one predicts the variant weakens the same 3' acceptor site. Additionally, four predict the variant creates a 3' acceptor site three nucleotides upstream. At least one publication reports experimental evidence that this variant affects mRNA splicing, leading to the introduction of three nucleotides (TAG) which results in a premature stop codon (e.g., Asadollahi_2020). The variant was absent in 250502 control chromosomes (gnomAD). c.2251-4A>G has been reported in the literature in compound heterozygous individuals affected with Ataxia-Telangiectasia (e.g., Mutlu-Albayrak_2020, Asadollahi_2020, Karaasian_2023 (no PMID, Research Square preprint)) as well as individuals with a personal or family history of ATM-related cancers (e.g., Tsaousis_2019, Asadollahi_2020, Akcay_2021, Ozdemir_2023). The variant was reported to segregate with disease in at least one family (e.g., Asadollahi_2020). These data indicate that the variant is very likely to be associated with disease. At least one publication reports experimental evidence evaluating an impact on protein function, however, does not allow convincing conclusions about the variant effect as the studies were only conducted in compound heterozygous patient cells (e.g., Asadollahi_2020). The following publications have been ascertained in the context of this evaluation (PMID: 32658311, 32748564, 31741144, 37453313, 31159747). Six submitters have reported clinical-significance assessments for this variant to ClinVar after 2014. Multiple submitters reported the variant with conflicting assessments (likely pathogenic, n = 3; VUS, n = 3), although all VUS classifications were reported in ClinVar to have been evaluated prior to the publication of all evidence ascertained in the context of this evaluation. Based on the evidence outlined above, the variant was classified as pathogenic.

Color Diagnostics, LLC DBA Color Health
Classification: Likely pathogenic for Hereditary cancer-predisposing syndrome. Last evaluated: 2023-10-02. Review status: criteria provided, single submitter. Criteria: ACMG Guidelines, 2015. Collection method: clinical testing. Allele origin: germline. Not counted in ClinVar's aggregate classification.
Comment: This variant causes an A to G nucleotide substitution at the -4 position of intron 14 of the ATM gene. Splice site prediction tools suggest that this variant may create a new splice acceptor site and have a significant impact on RNA splicing. The use of the new splice acceptor site has been observed in a study using carrier-derived RNA, although the wild-type transcript was also observed, suggesting the impact may be incomplete (PMID: 32748564). The aberrant RNA transcript is expected to create a premature translation stop signal and result in an absent or non-functional protein product. Abnormal RNA splicing has also been reported in ClinVar (SCV000216769.6). This variant has been reported in trans with another pathogenic splice ATM variant (c.3576G>A) in three siblings of a family (PMID: 32748564). This variant has been reported in other individuals with classic ataxia telangiectasia (PMID: 31741144), or with personal and/or family history of breast cancer (PMID: 31159747; DOI: 10.7197/cmj.vi.623656). This variant has not been identified in the general population by the Genome Aggregation Database (gnomAD). Based on the available evidence, this variant is classified as Likely Pathogenic. The incomplete impact on RNA splicing and lack of classic ataxia telangiectasia phenotype in carriers suggest that this variant may be hypomorphic.

GeneKor MSA
Classification: Uncertain significance for Hereditary cancer-predisposing syndrome. Last evaluated: 2018-08-01. Review status: flagged submission. Criteria: ACMG Guidelines, 2015. Collection method: clinical testing. Allele origin: germline. Affected: no. Not counted in ClinVar's aggregate classification.
ClinVar note: Reason: Older and outlier claim with insufficient supporting evidence

CeGaT Center for Human Genetics Tuebingen
Classification: Uncertain significance. Last evaluated: 2018-02-28. Review status: flagged submission. Criteria: Praxis fuer Humangenetik Tuebingen - Variant Classification Criteria. Collection method: clinical testing. Allele origin: germline. Affected: yes. Observed: 2 variant alleles. Not counted in ClinVar's aggregate classification.
ClinVar note: Reason: Older and outlier claim with insufficient supporting evidence

Literature cited by the submitters: PubMed 31159747 (cited by 3 submitters); PubMed 31741144 (cited by 6 submitters); PubMed 32748564 (cited by 6 submitters); PubMed 32658311 (cited by Women's Health and Genetics/Laboratory Corporation of America, LabCorp); PubMed 37453313 (cited by Women's Health and Genetics/Laboratory Corporation of America, LabCorp).